The following is an entry in ClinVar:

NM_003907.3(EIF2B5):c.*128T>C

Gene: EIF2B5 (eukaryotic translation initiation factor 2B subunit epsilon; plus strand). Cytogenetic location: 3q27.1.
Variant type: single nucleotide variant.
Coding change: c.*128T>C on transcript NM_003907.3 (MANE Select); 128 bases downstream of the stop codon, T replaced by C.
Molecular consequence: 3 prime UTR variant.
Genome position (GRCh38, 1-based): chr3:184,145,071, T>C. VCF-style: chr3-184145071-T-C. GRCh37 (hg19) VCF-style: chr3-183862859-T-C.
Identifiers: ClinVar variation 344341 (VCV000344341.6), dbSNP rs14955, ClinGen allele CA10615876.

ClinVar aggregate classification (germline): Benign. Review status: criteria provided, multiple submitters, no conflicts (2 of 4 stars). 2 submissions from 2 submitters: Benign (2). Last evaluated 2018-01-12.

Conditions:
Vanishing white matter disease. Also called: CACH syndrome; Childhood ataxia with diffuse central nervous system hypomyelination; Leukoencephalopathy with vanishing white matter; CACH/VWM syndrome; Cree leukoencehalopathy. Identifiers: Orphanet 135, Orphanet 99853, MedGen C1858991, MONDO:0800448.

Allele frequency attached by ClinVar (database versions not stated): 1000 Genomes Project 30x 0.02264; gnomAD exomes 0.02852; gnomAD 0.02931 and 0.03042; TOPMed 0.03157; 1000 Genomes Project 0.02117.
gnomAD v4.1: 24,424 of 846,912 alleles (2.9%); highest among the groups gnomAD compares: Middle Eastern, 4.9%; 428 homozygotes.

Submissions (2):

Illumina Laboratory Services, Illumina
Classification: Benign for Leukoencephalopathy with vanishing white matter 1. Last evaluated: 2018-01-12. Review status: criteria provided, single submitter. Criteria: ICSL Variant Classification Criteria 13 December 2019. Collection method: clinical testing. Allele origin: germline.
Comment: This variant was observed in the ICSL laboratory as part of a predisposition screen in an ostensibly healthy population. It had not been previously curated by ICSL or reported in the Human Gene Mutation Database (HGMD: prior to June 1st, 2018), and was therefore a candidate for classification through an automated scoring system. Utilizing variant allele frequency, disease prevalence and penetrance estimates, and inheritance mode, an automated score was calculated to assess if this variant is too frequent to cause the disease. Based on the score and internal cut-off values, a variant classified as benign is not then subjected to further curation. The score for this variant resulted in a classification of benign for this disease.

Breakthrough Genomics
Classification: Benign. Review status: criteria provided, single submitter. Criteria: ACMG Guidelines, 2015. Collection method: not provided. Allele origin: germline. Inheritance: Autosomal recessive inheritance. Affected: yes.